The following is an entry in ClinVar:

NM_001127511.3(APC):c.-94C>G

Gene: APC (APC regulator of Wnt signaling pathway; plus strand). Cytogenetic location: 5q22.2.
Variant type: single nucleotide variant.
Coding change: c.-94C>G on transcript NM_001127511.3; 94 bases upstream of the start codon, C replaced by G.
Molecular consequence: 5 prime UTR variant. On other transcripts: non-coding transcript variant (2).
Genome position (GRCh38, 1-based): chr5:112,707,624, C>G. VCF-style: chr5-112707624-C-G. GRCh37 (hg19) VCF-style: chr5-112043321-C-G.
Other names: c.-277C>G (NM_001354895.2, NM_001407447.1, NM_001407452.1 and 3 more transcripts); c.-94C>G (NM_001354897.2, NM_001354902.2, NM_001407446.1); c.-44C>G (NM_001407448.1, NM_001407450.1, NM_001407457.1 and 1 more transcripts); c.-68C>G (NM_001407453.1); c.-1312C>G (NM_001407470.1, NM_001407472.1).
Identifiers: ClinVar variation 3650505 (VCV003650505.2).

ClinVar aggregate classification (germline): Uncertain significance (1 of 4 stars; one submission).

Conditions:
Familial adenomatous polyposis 1 (FAP1). Also called: FAMILIAL ADENOMATOUS POLYPOSIS 1, ATTENUATED; POLYPOSIS, ADENOMATOUS INTESTINAL. Identifiers: MedGen C2713442, MONDO:0021056, OMIM 175100. Disease mechanism: loss of function.

Submission:

Labcorp Genetics (formerly Invitae), Labcorp
Classification: Uncertain significance for Familial adenomatous polyposis 1. Last evaluated: 2024-04-22. Review status: criteria provided, single submitter. Criteria: Invitae Variant Classification Sherloc (09022015). Collection method: clinical testing. Allele origin: germline.
Comment: This variant occurs in a non-coding region of the APC gene. It does not change the encoded amino acid sequence of the APC protein. This variant is not present in population databases (gnomAD no frequency). This variant has not been reported in the literature in individuals affected with APC-related conditions. Experimental studies and prediction algorithms are not available or were not evaluated, and the functional significance of this variant is currently unknown. In summary, the available evidence is currently insufficient to determine the role of this variant in disease. Therefore, it has been classified as a Variant of Uncertain Significance.